The following is an entry in ClinVar:

NM_000611.6(CD59):c.74G>A (p.Ser25Asn)

Gene: CD59 (CD59 molecule (CD59 blood group); minus strand). Cytogenetic location: 11p13.
Variant type: single nucleotide variant.
Coding change: c.74G>A on transcript NM_000611.6 (MANE Select); coding-DNA position 74, G replaced by A.
Protein change: p.Ser25Asn; replaces serine 25 with asparagine.
Molecular consequence: missense variant.
Genome position (GRCh38, 1-based): chr11:33,717,465, C>T on the plus strand (G>A on the coding strand, the complement: CD59 is on the minus strand). VCF-style: chr11-33717465-C-T. GRCh37 (hg19) VCF-style: chr11-33739011-C-T.
Other names: c.74G>A, p.Ser25Asn (NM_001127223.1, NM_001127225.2, NM_001127226.2 and 4 more transcripts); short protein forms S25N.
Identifiers: ClinVar variation 4975182 (VCV004975182.1).

ClinVar aggregate classification (germline): Uncertain significance (1 of 4 stars; one submission).

gnomAD v4.1: 20 of 1,602,370 alleles (0.0012%); highest among the groups gnomAD compares: South Asian, 0.018%; no homozygotes.

Submission:

GeneDx
Classification: Uncertain significance. Last evaluated: 2026-03-05. Review status: criteria provided, single submitter. Criteria: GeneDx Variant Classification Process June 2021. Collection method: clinical testing. Allele origin: germline.
Comment: In silico analysis supports that this missense variant has a deleterious effect on protein structure/function; Has not been previously published as pathogenic or benign to our knowledge